The following is an entry in ClinVar:

ClinVar aggregate classification (germline): Uncertain significance. Review status: criteria provided, multiple submitters, no conflicts (2 of 4 stars). 2 submissions from 2 submitters: Uncertain significance (2). Last evaluated 2024-12-28.

Conditions:
Familial thoracic aortic aneurysm and aortic dissection (TAAD). Also called: Thoracic aortic aneurysms and dissections. Identifiers: Orphanet 91387, MedGen C4707243, MONDO:0019625.

Allele frequency attached by ClinVar (database versions not stated): gnomAD exomes below 0.00001; TOPMed below 0.00001; ExAC 0.00001; gnomAD 0.00001.
gnomAD v4.1: 9 of 1,613,856 alleles (0.00056%); highest among the groups gnomAD compares: East Asian, 0.0022%; no homozygotes.

Submissions (2):

Ambry Genetics
Classification: Uncertain significance for Familial thoracic aortic aneurysm and aortic dissection. Last evaluated: 2024-12-28. Review status: criteria provided, single submitter. Criteria: Ambry Variant Classification Scheme 2023. Collection method: clinical testing. Allele origin: germline.
Comment: The p.T67I variant (also known as c.200C>T), located in coding exon 1 of the PRKG1 gene, results from a C to T substitution at nucleotide position 200. The threonine at codon 67 is replaced by isoleucine, an amino acid with similar properties. This amino acid position is conserved. In addition, this alteration is predicted to be tolerated by in silico analysis. Since supporting evidence is limited at this time, the clinical significance of this alteration remains unclear.

Blueprint Genetics
Classification: Uncertain significance. Last evaluated: 2023-05-19. Review status: criteria provided, single submitter. Criteria: ACMG Guidelines, 2015. Collection method: clinical testing. Allele origin: germline.

NM_006258.4(PRKG1):c.200C>T (p.Thr67Ile)

Gene: PRKG1 (protein kinase cGMP-dependent 1; plus strand). Cytogenetic location: 10q11.23.
Variant type: single nucleotide variant.
Coding change: c.200C>T on transcript NM_006258.4 (MANE Select); coding-DNA position 200, C replaced by T.
Protein change: p.Thr67Ile; replaces threonine 67 with isoleucine.
Molecular consequence: missense variant. On other transcripts: intron variant (1).
Genome position (GRCh38, 1-based): chr10:51,074,790, C>T. VCF-style: chr10-51074790-C-T. GRCh37 (hg19) VCF-style: chr10-52834550-C-T.
Other names: c.200C>T, p.Thr67Ile (NM_001374782.1); c.267-78374C>T (NM_001098512.3); short protein forms T67I.
Identifiers: ClinVar variation 1784381 (VCV001784381.4), dbSNP rs747494798, ClinGen allele CA5503079.